The following is an entry in ClinVar:

NM_005529.7(HSPG2):c.7806C>A (p.Val2602=)

Gene: HSPG2 (heparan sulfate proteoglycan 2; minus strand). Cytogenetic location: 1p36.12.
Variant type: single nucleotide variant.
Coding change: c.7806C>A on transcript NM_005529.7 (MANE Select); coding-DNA position 7806, C replaced by A.
Protein change: p.Val2602=; no amino-acid change (valine 2602 retained).
Molecular consequence: synonymous variant.
Genome position (GRCh38, 1-based): chr1:21,848,025, G>T on the plus strand (C>A on the coding strand, the complement: HSPG2 is on the minus strand). VCF-style: chr1-21848025-G-T. GRCh37 (hg19) VCF-style: chr1-22174518-G-T.
Other names: c.7809C>A, p.Val2603= (NM_001291860.2); c.7806C>A (NM_005529.6).
Identifiers: ClinVar variation 295785 (VCV000295785.22), dbSNP rs12737091, ClinGen allele CA671052.

ClinVar aggregate classification (germline): Benign/Likely benign. Review status: criteria provided, multiple submitters, no conflicts (2 of 4 stars). 9 submissions from 7 submitters: Benign (8); Likely benign (1). Last evaluated 2026-02-04.

Conditions:
Schwartz-Jampel syndrome. Also called: Myotonic myopathy dwarfism chondrodystrophy and ocular and facial abnormalities. Identifiers: Orphanet 800, MedGen C0036391, MONDO:0009717.
Connective tissue disorder. Also called: Connective tissue disease. Identifiers: MedGen C0009782, MONDO:0003900.
Lethal Kniest-like syndrome (DDSH). Also called: Dyssegmental Dysplasia. Identifiers: Orphanet 1865, MedGen C1857100, MONDO:0009140, OMIM 224410.

Allele frequency attached by ClinVar (database versions not stated): 1000 Genomes Project 30x 0.03217; 1000 Genomes Project 0.03474; TOPMed 0.03642; gnomAD 0.03827 and 0.04027; ESP Exome Variant Server 0.04090; gnomAD exomes 0.04912; ExAC 0.05108.

Submissions 1 to 30 of 110:

Labcorp Genetics (formerly Invitae), Labcorp
Classification: Benign. Last evaluated: 2026-02-04. Review status: criteria provided, single submitter. Criteria: Invitae Variant Classification Sherloc (09022015). Collection method: clinical testing. Allele origin: germline.

Blueprint Genetics
Classification: Likely benign. Last evaluated: 2024-11-26. Review status: criteria provided, single submitter. Criteria: ACMG Guidelines, 2015. Collection method: clinical testing. Allele origin: germline.

Genome Diagnostics Laboratory, The Hospital for Sick Children
Classification: Benign for Connective tissue disorder. Last evaluated: 2022-06-03. Review status: criteria provided, single submitter. Criteria: ACMG Guidelines, 2015. Collection method: clinical testing. Allele origin: germline.

Genome-Nilou Lab
Classification: Benign for Lethal Kniest-like syndrome. Last evaluated: 2021-08-10. Review status: criteria provided, single submitter. Criteria: ACMG Guidelines, 2015. Collection method: clinical testing. Allele origin: germline. Affected: no.

Genome-Nilou Lab
Classification: Benign for Schwartz-Jampel syndrome type 1. Last evaluated: 2021-08-10. Review status: criteria provided, single submitter. Criteria: ACMG Guidelines, 2015. Collection method: clinical testing. Allele origin: germline. Affected: no.

GeneDx
Classification: Benign. Last evaluated: 2018-08-25. Review status: criteria provided, single submitter. Criteria: GeneDx Variant Classification Process June 2021. Collection method: clinical testing. Allele origin: germline. Affected: yes.

Illumina Laboratory Services, Illumina
Classification: Benign for Lethal Kniest-like syndrome. Last evaluated: 2018-01-12. Review status: criteria provided, single submitter. Criteria: ICSL Variant Classification Criteria 13 December 2019. Collection method: clinical testing. Allele origin: germline.
Comment: This variant was observed in the ICSL laboratory as part of a predisposition screen in an ostensibly healthy population. It had not been previously curated by ICSL or reported in the Human Gene Mutation Database (HGMD: prior to June 1st, 2018), and was therefore a candidate for classification through an automated scoring system. Utilizing variant allele frequency, disease prevalence and penetrance estimates, and inheritance mode, an automated score was calculated to assess if this variant is too frequent to cause the disease. Based on the score and internal cut-off values, a variant classified as benign is not then subjected to further curation. The score for this variant resulted in a classification of benign for this disease.

Illumina Laboratory Services, Illumina
Classification: Benign for Schwartz-Jampel syndrome type 1. Last evaluated: 2018-01-12. Review status: criteria provided, single submitter. Criteria: ICSL Variant Classification Criteria 13 December 2019. Collection method: clinical testing. Allele origin: germline.
Comment: the same text as in the submission from Illumina Laboratory Services, Illumina above.

Breakthrough Genomics
Classification: Benign. Review status: criteria provided, single submitter. Criteria: ACMG Guidelines, 2015. Collection method: not provided. Allele origin: germline. Inheritance: Autosomal recessive inheritance. Affected: yes.

Dr. Peter K. Rogan Lab, Western University
No classification provided (evidence only). Condition: Acute myeloid leukemia. Review status: no classification provided. Collection method: in vitro. Allele origin: not applicable. Functional consequence: retained intron. Not counted in ClinVar's aggregate classification.

Dr. Peter K. Rogan Lab, Western University
No classification provided (evidence only). Condition: Acute myeloid leukemia. Review status: no classification provided. Collection method: in vitro. Allele origin: not applicable. Functional consequence: retained intron. Not counted in ClinVar's aggregate classification.

Dr. Peter K. Rogan Lab, Western University
No classification provided (evidence only). Condition: Acute myeloid leukemia. Review status: no classification provided. Collection method: in vitro. Allele origin: not applicable. Functional consequence: retained intron. Not counted in ClinVar's aggregate classification.

Dr. Peter K. Rogan Lab, Western University
No classification provided (evidence only). Condition: Adrenocortical carcinoma, hereditary. Review status: no classification provided. Collection method: in vitro. Allele origin: not applicable. Functional consequence: retained intron. Not counted in ClinVar's aggregate classification.

Dr. Peter K. Rogan Lab, Western University
No classification provided (evidence only). Condition: Adrenocortical carcinoma, hereditary. Review status: no classification provided. Collection method: in vitro. Allele origin: not applicable. Functional consequence: retained intron. Not counted in ClinVar's aggregate classification.

Dr. Peter K. Rogan Lab, Western University
No classification provided (evidence only). Condition: Adrenocortical carcinoma, hereditary. Review status: no classification provided. Collection method: in vitro. Allele origin: not applicable. Functional consequence: retained intron. Not counted in ClinVar's aggregate classification.

Dr. Peter K. Rogan Lab, Western University
No classification provided (evidence only). Condition: Uterine carcinosarcoma. Review status: no classification provided. Collection method: in vitro. Allele origin: not applicable. Functional consequence: retained intron. Not counted in ClinVar's aggregate classification.

Dr. Peter K. Rogan Lab, Western University
No classification provided (evidence only). Condition: Uterine carcinosarcoma. Review status: no classification provided. Collection method: in vitro. Allele origin: not applicable. Functional consequence: retained intron. Not counted in ClinVar's aggregate classification.

Dr. Peter K. Rogan Lab, Western University
No classification provided (evidence only). Condition: Uveal melanoma. Review status: no classification provided. Collection method: in vitro. Allele origin: not applicable. Functional consequence: retained intron. Not counted in ClinVar's aggregate classification.

Dr. Peter K. Rogan Lab, Western University
No classification provided (evidence only). Condition: Chronic lymphocytic leukemia/small lymphocytic lymphoma. Review status: no classification provided. Collection method: in vitro. Allele origin: not applicable. Functional consequence: retained intron. Not counted in ClinVar's aggregate classification.

Dr. Peter K. Rogan Lab, Western University
No classification provided (evidence only). Condition: Nonpapillary renal cell carcinoma. Review status: no classification provided. Collection method: in vitro. Allele origin: not applicable. Functional consequence: retained intron. Not counted in ClinVar's aggregate classification.

Dr. Peter K. Rogan Lab, Western University
No classification provided (evidence only). Condition: Nonpapillary renal cell carcinoma. Review status: no classification provided. Collection method: in vitro. Allele origin: not applicable. Functional consequence: retained intron. Not counted in ClinVar's aggregate classification.

Dr. Peter K. Rogan Lab, Western University
No classification provided (evidence only). Condition: Nonpapillary renal cell carcinoma. Review status: no classification provided. Collection method: in vitro. Allele origin: not applicable. Functional consequence: retained intron. Not counted in ClinVar's aggregate classification.

Dr. Peter K. Rogan Lab, Western University
No classification provided (evidence only). Condition: Nonpapillary renal cell carcinoma. Review status: no classification provided. Collection method: in vitro. Allele origin: not applicable. Functional consequence: retained intron. Not counted in ClinVar's aggregate classification.

Dr. Peter K. Rogan Lab, Western University
No classification provided (evidence only). Condition: Nonpapillary renal cell carcinoma. Review status: no classification provided. Collection method: in vitro. Allele origin: not applicable. Functional consequence: retained intron. Not counted in ClinVar's aggregate classification.

Dr. Peter K. Rogan Lab, Western University
No classification provided (evidence only). Condition: Nonpapillary renal cell carcinoma. Review status: no classification provided. Collection method: in vitro. Allele origin: not applicable. Functional consequence: retained intron. Not counted in ClinVar's aggregate classification.

Dr. Peter K. Rogan Lab, Western University
No classification provided (evidence only). Condition: Familial pancreatic carcinoma. Review status: no classification provided. Collection method: in vitro. Allele origin: not applicable. Functional consequence: retained intron. Not counted in ClinVar's aggregate classification.

Dr. Peter K. Rogan Lab, Western University
No classification provided (evidence only). Condition: Familial pancreatic carcinoma. Review status: no classification provided. Collection method: in vitro. Allele origin: not applicable. Functional consequence: retained intron. Not counted in ClinVar's aggregate classification.

Dr. Peter K. Rogan Lab, Western University
No classification provided (evidence only). Condition: Familial pancreatic carcinoma. Review status: no classification provided. Collection method: in vitro. Allele origin: not applicable. Functional consequence: retained intron. Not counted in ClinVar's aggregate classification.

Dr. Peter K. Rogan Lab, Western University
No classification provided (evidence only). Condition: Familial pancreatic carcinoma. Review status: no classification provided. Collection method: in vitro. Allele origin: not applicable. Functional consequence: retained intron. Not counted in ClinVar's aggregate classification.

Dr. Peter K. Rogan Lab, Western University
No classification provided (evidence only). Condition: Familial pancreatic carcinoma. Review status: no classification provided. Collection method: in vitro. Allele origin: not applicable. Functional consequence: retained intron. Not counted in ClinVar's aggregate classification.